The following is an entry in ClinVar:

ClinVar aggregate classification (germline): Likely benign (0 of 4 stars; one submission).

Conditions:
PIK3C2B-related disorder. Also called: PIK3C2B-related condition.

Allele frequency attached by ClinVar (database versions not stated): 1000 Genomes Project 30x 0.00031; 1000 Genomes Project 0.00040; TOPMed 0.00055; gnomAD 0.00088; gnomAD exomes 0.00098; ESP Exome Variant Server 0.00108; ExAC 0.00138.
gnomAD v4.1: 1,549 of 1,613,764 alleles (0.096%); highest among the groups gnomAD compares: Non-Finnish European, 0.1%; 3 homozygotes.

Submission:

PreventionGenetics, part of Exact Sciences
Classification: Likely benign for PIK3C2B-related condition. Last evaluated: 2023-02-25. Review status: no assertion criteria provided. Collection method: clinical testing. Allele origin: germline.
Comment: This variant is classified as likely benign based on ACMG/AMP sequence variant interpretation guidelines (Richards et al. 2015 PMID: 25741868, with internal and published modifications).

NM_001377334.1(PIK3C2B):c.1402C>T (p.Arg468Cys)

Gene: PIK3C2B (phosphatidylinositol-4-phosphate 3-kinase catalytic subunit type 2 beta; minus strand). Cytogenetic location: 1q32.1.
Variant type: single nucleotide variant.
Coding change: c.1402C>T on transcript NM_001377334.1 (MANE Select); coding-DNA position 1402, C replaced by T.
Protein change: p.Arg468Cys; replaces arginine 468 with cysteine.
Molecular consequence: missense variant.
Genome position (GRCh38, 1-based): chr1:204,460,570, G>A on the plus strand (C>T on the coding strand, the complement: PIK3C2B is on the minus strand). VCF-style: chr1-204460570-G-A. GRCh37 (hg19) VCF-style: chr1-204429698-G-A.
Other names: c.1402C>T, p.Arg468Cys (NM_001377335.1, NM_002646.4); short protein forms R468C.
Identifiers: ClinVar variation 3050266 (VCV003050266.2), dbSNP rs139758981, ClinGen allele CA1348013.